The following is an entry in ClinVar:

NC_000001.10:g.(?_161284196)_(161284215_?)del

Gene: SDHC (succinate dehydrogenase complex subunit C; plus strand). Cytogenetic location: 1q23.3.
Variant type: Deletion.
Identifiers: ClinVar variation 3247756 (VCV003247756.1).

ClinVar aggregate classification (germline): Pathogenic (1 of 4 stars; one submission).

Conditions:
Pheochromocytoma/paraganglioma syndrome 3. Also called: GLOMUS TUMORS, FAMILIAL, 3; Paragangliomas 3; SDHC-Related Hereditary Paraganglioma-Pheochromocytoma Syndrome (Paragangliomas 3); SDHC-Related Hereditary Paraganglioma-Pheochromocytoma Syndrome. Identifiers: Orphanet 29072, MedGen C1854336, MONDO:0011544, OMIM 605373.
Gastrointestinal stromal tumor. Also called: Gastrointestinal stromal tumor, somatic; Gastrointestinal stroma tumor. Identifiers: Orphanet 44890, MedGen C0238198, MeSH D046152, MONDO:0011719, OMIM 606764, HP:0100723.

Submission:

Labcorp Genetics (formerly Invitae), Labcorp
Classification: Pathogenic for Pheochromocytoma/paraganglioma syndrome 3; Gastrointestinal stromal tumor. Last evaluated: 2020-03-11. Review status: criteria provided, single submitter. Criteria: Invitae Variant Classification Sherloc (09022015). Collection method: clinical testing. Allele origin: unknown.
Comment: For these reasons, this variant has been classified as Pathogenic. Loss-of-function variants in SDHC are known to be pathogenic (PMID: 19454582, 24758179). A similar deletion has been observed in an individual affected with head and neck and/or thoracic-abdominal pelvic paragangliomas (PMID: 19454582). This variant is a gross deletion of the genomic region encompassing exon 1 of the SDHC gene, which includes the initiator codon. The 5' end of this event is unknown as it extends beyond the assayed region for this gene and therefore may encompass additional genes. The 3' boundary is likely confined to intron 1 of the SDHC gene. This is expected to result in an absent or disrupted protein product.

Literature cited by the submitters: PubMed 19454582; PubMed 24758179.